The following is an entry in ClinVar:

NM_025179.4(PLXNA2):c.4626T>C (p.Tyr1542=)

Gene: PLXNA2 (plexin A2; minus strand). Cytogenetic location: 1q32.2.
Variant type: single nucleotide variant.
Coding change: c.4626T>C on transcript NM_025179.4 (MANE Select); coding-DNA position 4626, T replaced by C.
Protein change: p.Tyr1542=; no amino-acid change (tyrosine 1542 retained).
Molecular consequence: synonymous variant.
Genome position (GRCh38, 1-based): chr1:208,038,859, A>G on the plus strand (T>C on the coding strand, the complement: PLXNA2 is on the minus strand). VCF-style: chr1-208038859-A-G. GRCh37 (hg19) VCF-style: chr1-208212204-A-G.
Identifiers: ClinVar variation 3348946 (VCV003348946.1).
Genomic context (GRCh38, chr1:208,038,859, plus strand): 5'-TCACACTCTGAGTCCAGGTTTCCTACCCAAGTCCATGTCCACTGCCCTCGGCCGCTGGGA[A>G]TAGGGCACATTCTTATACACGGCATCAAGAATCTTCTCCTTGACCTGTGTGATGGTGTCA-3'
Protein context (NP_079455.3, residues 1532-1552): ILDAVYKNVP[Tyr1542=]SQRPRAVDMD

ClinVar aggregate classification (germline): Likely benign (0 of 4 stars; one submission).

Conditions:
PLXNA2-related disorder. Also called: PLXNA2-related condition.

gnomAD v4.1: 12 of 1,614,116 alleles (0.00074%); highest among the groups gnomAD compares: South Asian, 0.012%; no homozygotes.

Submission:

PreventionGenetics, part of Exact Sciences
Classification: Likely benign for PLXNA2-related condition. Last evaluated: 2023-11-30. Review status: no assertion criteria provided. Collection method: clinical testing. Allele origin: germline.
Comment: This variant is classified as likely benign based on ACMG/AMP sequence variant interpretation guidelines (Richards et al. 2015 PMID: 25741868, with internal and published modifications).